The following is an entry in ClinVar:

NM_016038.4(SBDS):c.651C>T (p.Phe217=)

Gene: SBDS (SBDS ribosome maturation factor; minus strand). Cytogenetic location: 7q11.21.
Variant type: single nucleotide variant.
Coding change: c.651C>T on transcript NM_016038.4 (MANE Select); coding-DNA position 651, C replaced by T.
Protein change: p.Phe217=; no amino-acid change (phenylalanine 217 retained).
Molecular consequence: synonymous variant.
Genome position (GRCh38, 1-based): chr7:66,988,473, G>A on the plus strand (C>T on the coding strand, the complement: SBDS is on the minus strand). VCF-style: chr7-66988473-G-A. GRCh37 (hg19) VCF-style: chr7-66453460-G-A.
Other names: p.Phe217=; c.651C>T (NM_016038.3).
Identifiers: ClinVar variation 21544 (VCV000021544.22), dbSNP rs73151675, ClinGen allele CA342204.

ClinVar aggregate classification (germline): Benign/Likely benign. Review status: criteria provided, multiple submitters, no conflicts (2 of 4 stars). 11 submissions from 10 submitters: Benign (10); Likely benign (1). Last evaluated 2026-01-21.

Conditions:
Inborn genetic diseases. Identifiers: MedGen C0950123, MeSH D030342.
Aplastic anemia. Identifiers: Orphanet 182040, Orphanet 88, MedGen C0002874, MONDO:0015909, OMIM 609135, HP:0001915.
Shwachman-Diamond syndrome 1 (SDS1). Also called: LIPOMATOSIS OF PANCREAS, CONGENITAL. Identifiers: MedGen C4692625, MONDO:0044204, OMIM 260400.

Allele frequency attached by ClinVar (database versions not stated): ExAC 0.03826; gnomAD exomes 0.03864 and 0.05061; ESP Exome Variant Server 0.03937; 1000 Genomes Project 0.01817; 1000 Genomes Project 30x 0.01905; TOPMed 0.03440; gnomAD 0.03591 and 0.03660.

Submissions (11):

Women's Health and Genetics/Laboratory Corporation of America, LabCorp
Classification: Benign. Last evaluated: 2026-01-21. Review status: criteria provided, single submitter. Criteria: LabCorp Variant Classification Summary - May 2015. Collection method: clinical testing. Allele origin: germline.

KCCC/NGS Laboratory, Kuwait Cancer Control Center
Classification: Benign for Aplastic anemia. Last evaluated: 2025-02-01. Review status: criteria provided, single submitter. Criteria: ACMG Guidelines, 2015. Collection method: clinical testing. Allele origin: germline. Affected: no.

Blueprint Genetics
Classification: Likely benign. Last evaluated: 2024-11-27. Review status: criteria provided, single submitter. Criteria: ACMG Guidelines, 2015. Collection method: clinical testing. Allele origin: germline.

KCCC/NGS Laboratory, Kuwait Cancer Control Center
Classification: Benign for Shwachman-Diamond syndrome 1. Last evaluated: 2023-07-07. Review status: criteria provided, single submitter. Criteria: ACMG Guidelines, 2015. Collection method: clinical testing. Allele origin: germline. Affected: yes.

Mayo Clinic Laboratories, Mayo Clinic
Classification: Benign. Last evaluated: 2018-03-28. Review status: criteria provided, single submitter. Criteria: ACMG Guidelines, 2015. Collection method: clinical testing. Allele origin: germline. Observed: 108 variant alleles.

ARUP Laboratories, Molecular Genetics and Genomics, ARUP Laboratories
Classification: Benign. Last evaluated: 2017-03-29. Review status: criteria provided, single submitter. Criteria: ARUP Molecular Germline Variant Investigation Process. Collection method: clinical testing. Allele origin: germline.

Laboratory for Molecular Medicine, Mass General Brigham Personalized Medicine
Classification: Benign. Last evaluated: 2016-03-29. Review status: criteria provided, single submitter. Criteria: LMM Criteria. Collection method: clinical testing. Allele origin: germline.
Comment: Variant identified in a genome or exome case(s) and assessed due to predicted null impact of the variant or pathogenic assertions in the literature or databases. Disclaimer: This variant has not undergone full assessment. The following are preliminary notes: Frequency

Ambry Genetics
Classification: Benign for Inborn genetic diseases. Last evaluated: 2016-02-09. Review status: criteria provided, single submitter. Criteria: Ambry Variant Classification Scheme 2023. Collection method: clinical testing. Allele origin: germline.

GeneDx
Classification: Benign. Last evaluated: 2015-03-03. Review status: criteria provided, single submitter. Criteria: GeneDx Variant Classification Process June 2021. Collection method: clinical testing. Allele origin: germline. Affected: yes.

Breakthrough Genomics
Classification: Benign. Review status: criteria provided, single submitter. Criteria: ACMG Guidelines, 2015. Collection method: not provided. Allele origin: germline. Inheritance: Autosomal recessive inheritance. Affected: yes.

PreventionGenetics, part of Exact Sciences
Classification: Benign. Review status: criteria provided, single submitter. Criteria: ACMG Guidelines, 2015. Collection method: clinical testing. Allele origin: germline.